The following is an entry in ClinVar:

NM_000059.4(BRCA2):c.5752_5755dup (p.Lys1919delinsThrTer)

Gene: BRCA2 (BRCA2 DNA repair associated; plus strand). Cytogenetic location: 13q13.1.
Variant type: Duplication.
Coding change: c.5752_5755dup on transcript NM_000059.4 (MANE Select); coding-DNA positions 5752 to 5755, 4 bases duplicated (CATA; older notation c.5752_5755dupCATA).
Protein change: p.Lys1919delinsThrTer.
Molecular consequence: nonsense. On other transcripts: non-coding transcript variant (1), intron variant (2).
Genome position (GRCh38, 1-based): chr13:32,340,107-32,340,110, CATA duplicated; duplicating any 4 consecutive bases within chr13:32,340,106-32,340,110 gives the same sequence; the c. name uses the placement nearest the transcript's 3' end. VCF-style (leftmost placement, unchanged base first): chr13-32340105-C-CACAT. GRCh37 (hg19) VCF-style: chr13-32914242-C-CACAT.
Other names: c.5752_5755dup, p.Lys1919delinsThrTer (NM_001406719.1, NM_001406720.1, NM_001432077.1); c.1910-4451_1910-4448dup (NM_001406721.1); c.425-4451_425-4448dup (NM_001406722.1).
Identifiers: ClinVar variation 3643555 (VCV003643555.2).

ClinVar aggregate classification (germline): Pathogenic (1 of 4 stars; one submission).

Conditions:
Hereditary breast ovarian cancer syndrome. Also called: Hereditary breast and ovarian cancer syndrome (HBOC); Hereditary breast and ovarian cancer; BRCA1- and BRCA2-Associated Hereditary Breast and Ovarian Cancer; Hereditary breast and ovarian cancer syndrome; Hereditary breast and/or ovarian cancer syndrome; Breast and ovarian cancer. Identifiers: Orphanet 145, MedGen C0677776, MeSH D061325, MONDO:0003582. Disease mechanism: loss of function.

Submission:

Labcorp Genetics (formerly Invitae), Labcorp
Classification: Pathogenic for Hereditary breast ovarian cancer syndrome. Last evaluated: 2025-10-27. Review status: criteria provided, single submitter. Criteria: Invitae Variant Classification Sherloc (09022015). Collection method: clinical testing. Allele origin: germline.
Comment: This sequence change creates a premature translational stop signal (p.Lys1919delinsThr*) in the BRCA2 gene. It is expected to result in an absent or disrupted protein product. Loss-of-function variants in BRCA2 are known to be pathogenic (PMID: 20104584). This variant is not present in population databases (gnomAD no frequency). This variant has not been reported in the literature in individuals affected with BRCA2-related conditions. ClinVar contains an entry for this variant (Variation ID: 3643555). For these reasons, this variant has been classified as Pathogenic.

Literature cited by the submitters: PubMed 20104584.